The following is an entry in ClinVar:

ClinVar aggregate classification (germline): Uncertain significance (1 of 4 stars; one submission).

Allele frequency attached by ClinVar (database versions not stated): gnomAD 0.00001; ESP Exome Variant Server 0.00008.

Submission:

Labcorp Genetics (formerly Invitae), Labcorp
Classification: Uncertain significance. Last evaluated: 2022-08-22. Review status: criteria provided, single submitter. Criteria: Invitae Variant Classification Sherloc (09022015). Collection method: clinical testing. Allele origin: germline.
Comment: This sequence change replaces glycine, which is neutral and non-polar, with serine, which is neutral and polar, at codon 127 of the HPS1 protein (p.Gly127Ser). This variant is present in population databases (rs371321032, gnomAD 0.0009%). This variant has not been reported in the literature in individuals affected with HPS1-related conditions. Algorithms developed to predict the effect of missense changes on protein structure and function output the following: SIFT: "Tolerated"; PolyPhen-2: "Benign"; Align-GVGD: "Class C0". The serine amino acid residue is found in multiple mammalian species, which suggests that this missense change does not adversely affect protein function. Algorithms developed to predict the effect of sequence changes on RNA splicing suggest that this variant may create or strengthen a splice site. In summary, the available evidence is currently insufficient to determine the role of this variant in disease. Therefore, it has been classified as a Variant of Uncertain Significance.

NM_000195.5(HPS1):c.379G>A (p.Gly127Ser)

Gene: HPS1 (HPS1 biogenesis of lysosomal organelles complex 3 subunit 1; minus strand). Cytogenetic location: 10q24.2.
Variant type: single nucleotide variant.
Coding change: c.379G>A on transcript NM_000195.5 (MANE Select); coding-DNA position 379, G replaced by A.
Protein change: p.Gly127Ser; replaces glycine 127 with serine.
Molecular consequence: missense variant. On other transcripts: 5 prime UTR variant (2), intron variant (7).
Genome position (GRCh38, 1-based): chr10:98,435,291, C>T on the plus strand (G>A on the coding strand, the complement: HPS1 is on the minus strand). VCF-style: chr10-98435291-C-T. GRCh37 (hg19) VCF-style: chr10-100195048-C-T.
Other names: c.-538G>A (NM_001311345.2); c.379G>A, p.Gly127Ser (NM_001322476.2, NM_001322477.2, NM_001322478.2 and 5 more transcripts); c.-637G>A (NM_001322487.2); c.29+344G>A (NM_001322483.2, NM_001322485.2, NM_001322484.2); c.255+344G>A (NM_001322480.2, NM_001322482.2, NM_001322481.2); c.-519+344G>A (NM_001322489.2); short protein forms G127S.
Identifiers: ClinVar variation 2150991 (VCV002150991.1), dbSNP rs371321032, ClinGen allele CA212770147.